The following is an entry in ClinVar:

ClinVar aggregate classification (germline): Uncertain significance (1 of 4 stars; one submission).

Conditions:
VIPAS39-related disorder. Also called: VIPAS39-related condition.

gnomAD v4.1: 25 of 1,614,016 alleles (0.0015%); highest among the groups gnomAD compares: South Asian, 0.012%; no homozygotes.

Submission:

PreventionGenetics, part of Exact Sciences
Classification: Uncertain significance for VIPAS39-related condition. Last evaluated: 2026-05-27. Review status: criteria provided, single submitter. Criteria: ACMG Guidelines, 2015. Collection method: clinical testing. Allele origin: germline.
Comment: The VIPAS39 c.644G>A variant is predicted to result in the amino acid substitution p.Arg215Gln. To our knowledge, this variant has not been reported in the literature. This variant is reported in 0.013% of alleles in individuals of South Asian descent in gnomAD. At this time, the clinical significance of this variant is uncertain due to the absence of conclusive functional and genetic evidence.

NM_001193315.2(VIPAS39):c.644G>A (p.Arg215Gln)

Gene: VIPAS39 (VPS33B interacting protein, apical-basolateral polarity regulator, spe-39 homolog; minus strand). Cytogenetic location: 14q24.3.
Variant type: single nucleotide variant.
Coding change: c.644G>A on transcript NM_001193315.2 (MANE Select); coding-DNA position 644, G replaced by A.
Protein change: p.Arg215Gln; replaces arginine 215 with glutamine.
Molecular consequence: missense variant. On other transcripts: non-coding transcript variant (1).
Genome position (GRCh38, 1-based): chr14:77,442,650, C>T on the plus strand (G>A on the coding strand, the complement: VIPAS39 is on the minus strand). VCF-style: chr14-77442650-C-T. GRCh37 (hg19) VCF-style: chr14-77908993-C-T.
Other names: c.644G>A, p.Arg215Gln (NM_001193314.2, NM_001193317.2, NM_001400326.1 and 8 more transcripts); c.497G>A, p.Arg166Gln (NM_001193316.2, NM_001400324.1, NM_001400325.1); c.611G>A, p.Arg204Gln (NM_001400327.1); c.551G>A, p.Arg184Gln (NM_001400333.1, NM_001400334.1); c.404G>A, p.Arg135Gln (NM_001400337.1); short protein forms R166Q, R135Q, R184Q, R204Q, R215Q.
Identifiers: ClinVar variation 4979004 (VCV004979004.1).